The following is an entry in ClinVar:

NM_152743.4(BRAT1):c.770A>C (p.His257Pro)

Gene: BRAT1 (BRCA1 associated ATM activator 1; minus strand). Cytogenetic location: 7p22.3.
Variant type: single nucleotide variant.
Coding change: c.770A>C on transcript NM_152743.4 (MANE Select); coding-DNA position 770, A replaced by C.
Protein change: p.His257Pro; replaces histidine 257 with proline.
Molecular consequence: missense variant. On other transcripts: non-coding transcript variant (1).
Genome position (GRCh38, 1-based): chr7:2,543,623, T>G on the plus strand (A>C on the coding strand, the complement: BRAT1 is on the minus strand). VCF-style: chr7-2543623-T-G. GRCh37 (hg19) VCF-style: chr7-2583257-T-G.
Other names: c.770A>C, p.His257Pro (NM_001350626.2); c.245A>C, p.His82Pro (NM_001350627.2); short protein forms H257P, H82P.
Identifiers: ClinVar variation 540158 (VCV000540158.9), dbSNP rs201957861, ClinGen allele CA4128101.

ClinVar aggregate classification (germline): Uncertain significance (1 of 4 stars; one submission).

Conditions:
Neonatal-onset encephalopathy with rigidity and seizures. Also called: Lethal neonatal spasticity-epileptic encephalopathy syndrome. Identifiers: Orphanet 435845, MedGen C3281029, MONDO:0013784, OMIM 614498.

Allele frequency attached by ClinVar (database versions not stated): gnomAD 0.00001; TOPMed 0.00002; ExAC 0.00003; gnomAD exomes 0.00003.
gnomAD v4.1: 21 of 1,526,924 alleles (0.0014%); highest among the groups gnomAD compares: East Asian, 0.0023%; no homozygotes.

Submission:

Labcorp Genetics (formerly Invitae), Labcorp
Classification: Uncertain significance for Neonatal-onset encephalopathy with rigidity and seizures. Last evaluated: 2022-06-13. Review status: criteria provided, single submitter. Criteria: Invitae Variant Classification Sherloc (09022015). Collection method: clinical testing. Allele origin: germline.
Comment: This sequence change replaces histidine, which is basic and polar, with proline, which is neutral and non-polar, at codon 257 of the BRAT1 protein (p.His257Pro). This variant is present in population databases (rs201957861, gnomAD 0.007%). This variant has not been reported in the literature in individuals affected with BRAT1-related conditions. ClinVar contains an entry for this variant (Variation ID: 540158). Algorithms developed to predict the effect of missense changes on protein structure and function (SIFT, PolyPhen-2, Align-GVGD) all suggest that this variant is likely to be tolerated. In summary, the available evidence is currently insufficient to determine the role of this variant in disease. Therefore, it has been classified as a Variant of Uncertain Significance.